The following is an entry in ClinVar:

NM_015512.5(DNAH1):c.5853G>A (p.Val1951=)

Gene: DNAH1 (dynein axonemal heavy chain 1; plus strand). Cytogenetic location: 3p21.1.
Variant type: single nucleotide variant.
Coding change: c.5853G>A on transcript NM_015512.5 (MANE Select); coding-DNA position 5853, G replaced by A.
Protein change: p.Val1951=; no amino-acid change (valine 1951 retained).
Molecular consequence: synonymous variant.
Genome position (GRCh38, 1-based): chr3:52,368,828, G>A. VCF-style: chr3-52368828-G-A. GRCh37 (hg19) VCF-style: chr3-52402844-G-A.
Identifiers: ClinVar variation 478468 (VCV000478468.45), dbSNP rs80128076, ClinGen allele CA2434355.

ClinVar aggregate classification (germline): Benign/Likely benign. Review status: criteria provided, multiple submitters, no conflicts (2 of 4 stars). 5 submissions from 5 submitters: Benign (1); Likely benign (4). Last evaluated 2026-02-01.

Conditions:
Spermatogenic failure 18. Identifiers: MedGen C4539783, MONDO:0054615, OMIM 617576.
Ciliary dyskinesia, primary, 37 (CILD37). Also called: CILIARY DYSKINESIA, PRIMARY, 37, WITH OR WITHOUT SITUS INVERSUS. Identifiers: MedGen C4539798, MONDO:0033204, OMIM 617577.

Allele frequency attached by ClinVar (database versions not stated): 1000 Genomes Project 0.00220; 1000 Genomes Project 30x 0.00234; TOPMed 0.00297; gnomAD 0.00327 and 0.00331; ESP Exome Variant Server 0.00371; gnomAD exomes 0.00386 and 0.00441; ExAC 0.00412.
gnomAD v4.1: 6,963 of 1,614,008 alleles (0.43%); highest among the groups gnomAD compares: South Asian, 0.79%; 32 homozygotes.

Submissions (5):

Labcorp Genetics (formerly Invitae), Labcorp
Classification: Benign for Ciliary dyskinesia, primary, 37; Spermatogenic failure 18. Last evaluated: 2026-02-01. Review status: criteria provided, single submitter. Criteria: Invitae Variant Classification Sherloc (09022015). Collection method: clinical testing. Allele origin: germline.

CeGaT Center for Human Genetics Tuebingen
Classification: Likely benign. Last evaluated: 2026-01-01. Review status: criteria provided, single submitter. Criteria: CeGaT Center For Human Genetics Tuebingen Variant Classification Criteria Version 2. Collection method: clinical testing. Allele origin: germline. Affected: yes. Observed: 6 variant alleles.
Comment: DNAH1: BP4, BP7, BS2

Blueprint Genetics
Classification: Likely benign. Last evaluated: 2024-11-23. Review status: criteria provided, single submitter. Criteria: ACMG Guidelines, 2015. Collection method: clinical testing. Allele origin: germline.

Johns Hopkins Genomics, Johns Hopkins University
Classification: Likely benign for Ciliary dyskinesia, primary, 37. Last evaluated: 2024-05-15. Review status: criteria provided, single submitter. Criteria: ACMG Guidelines, 2015. Collection method: clinical testing. Allele origin: germline.
Comment: BS2, BP4, BP6

Breakthrough Genomics
Classification: Likely benign. Review status: criteria provided, single submitter. Criteria: ACMG Guidelines, 2015. Collection method: not provided. Allele origin: germline. Inheritance: Autosomal recessive inheritance. Affected: yes.